The following is an entry in ClinVar:

ClinVar aggregate classification (germline): Uncertain significance. Review status: criteria provided, multiple submitters, no conflicts (2 of 4 stars). 2 submissions from 2 submitters: Uncertain significance (2). Last evaluated 2025-05-16.

Conditions:
Inborn genetic diseases. Identifiers: MedGen C0950123, MeSH D030342.
Evans syndrome, immunodeficiency, and premature immunosenescence associated with tripeptidyl-peptidase II deficiency. Identifiers: MedGen CN231723. Disease mechanism: loss of function.

Allele frequency attached by ClinVar (database versions not stated): gnomAD exomes 0.00002; TOPMed 0.00003; ESP Exome Variant Server 0.00008; ExAC 0.00003; gnomAD 0.00002.
gnomAD v4.1: 39 of 1,613,684 alleles (0.0024%); highest among the groups gnomAD compares: Non-Finnish European, 0.0032%; no homozygotes.

Submissions (2):

Ambry Genetics
Classification: Uncertain significance for Inborn genetic diseases. Last evaluated: 2025-05-16. Review status: criteria provided, single submitter. Criteria: Ambry Variant Classification Scheme 2023. Collection method: clinical testing. Allele origin: germline.

Labcorp Genetics (formerly Invitae), Labcorp
Classification: Uncertain significance for Evans syndrome, immunodeficiency, and premature immunosenescence associated with tripeptidyl-peptidase II deficiency. Last evaluated: 2022-09-18. Review status: criteria provided, single submitter. Criteria: Invitae Variant Classification Sherloc (09022015). Collection method: clinical testing. Allele origin: germline.
Comment: This sequence change replaces histidine, which is basic and polar, with arginine, which is basic and polar, at codon 1086 of the TPP2 protein (p.His1086Arg). This variant is present in population databases (rs367941291, gnomAD 0.004%). This variant has not been reported in the literature in individuals affected with TPP2-related conditions. ClinVar contains an entry for this variant (Variation ID: 1479780). Algorithms developed to predict the effect of missense changes on protein structure and function (SIFT, PolyPhen-2, Align-GVGD) all suggest that this variant is likely to be tolerated. In summary, the available evidence is currently insufficient to determine the role of this variant in disease. Therefore, it has been classified as a Variant of Uncertain Significance.

NM_001330588.2(TPP2):c.3296A>G (p.His1099Arg)

Gene: TPP2 (tripeptidyl peptidase 2; plus strand). Cytogenetic location: 13q33.1.
Variant type: single nucleotide variant.
Coding change: c.3296A>G on transcript NM_001330588.2 (MANE Select); coding-DNA position 3296, A replaced by G.
Protein change: p.His1099Arg; replaces histidine 1099 with arginine.
Molecular consequence: missense variant. On other transcripts: non-coding transcript variant (1).
Genome position (GRCh38, 1-based): chr13:102,664,850, A>G. VCF-style: chr13-102664850-A-G. GRCh37 (hg19) VCF-style: chr13-103317200-A-G.
Other names: c.3257A>G, p.His1086Arg (NM_001367947.1, NM_003291.4); c.3257A>G (NM_003291.2); short protein forms H1099R, H1086R.
Identifiers: ClinVar variation 1479780 (VCV001479780.4), dbSNP rs367941291, ClinGen allele CA7038248.